The following is an entry in ClinVar:

ClinVar aggregate classification (germline): Uncertain significance (1 of 4 stars; one submission).

Submission:

Labcorp Genetics (formerly Invitae), Labcorp
Classification: Uncertain significance. Last evaluated: 2024-03-03. Review status: criteria provided, single submitter. Criteria: Invitae Variant Classification Sherloc (09022015). Collection method: clinical testing. Allele origin: germline.
Comment: This sequence change falls in intron 12 of the KMT2A gene. It does not directly change the encoded amino acid sequence of the KMT2A protein. It affects a nucleotide within the consensus splice site. This variant is not present in population databases (gnomAD no frequency). This variant has not been reported in the literature in individuals affected with KMT2A-related conditions. Variants that disrupt the consensus splice site are a relatively common cause of aberrant splicing (PMID: 17576681, 9536098). Algorithms developed to predict the effect of sequence changes on RNA splicing suggest that this variant may disrupt the consensus splice site. In summary, the available evidence is currently insufficient to determine the role of this variant in disease. Therefore, it has been classified as a Variant of Uncertain Significance.

Literature cited by the submitters: PubMed 17576681; PubMed 9536098.

NM_001197104.2(KMT2A):c.4575+4A>T

Gene: KMT2A (lysine methyltransferase 2A; plus strand). Cytogenetic location: 11q23.3.
Variant type: single nucleotide variant.
Coding change: c.4575+4A>T on transcript NM_001197104.2 (MANE Select); 4 bases into the intron after coding-DNA position 4575, A replaced by T.
Molecular consequence: intron variant.
Genome position (GRCh38, 1-based): chr11:118,489,891, A>T. VCF-style: chr11-118489891-A-T. GRCh37 (hg19) VCF-style: chr11-118360606-A-T.
Other names: c.4674+4A>T (NM_001412597.1); c.4575+4A>T (NM_005933.4).
Identifiers: ClinVar variation 3644273 (VCV003644273.2).